The following is an entry in ClinVar:

NM_000383.4(AIRE):c.464-26A>G

Gene: AIRE (autoimmune regulator; plus strand). Cytogenetic location: 21q22.3.
Variant type: single nucleotide variant.
Coding change: c.464-26A>G on transcript NM_000383.4 (MANE Select); 26 bases into the intron before coding-DNA position 464, A replaced by G.
Molecular consequence: intron variant.
Genome position (GRCh38, 1-based): chr21:44,287,491, A>G. VCF-style: chr21-44287491-A-G. GRCh37 (hg19) VCF-style: chr21-45707374-A-G.
Identifiers: ClinVar variation 3234380 (VCV003234380.20), dbSNP rs2517877609, ClinGen allele CA2654789392.

ClinVar aggregate classification (germline): Uncertain significance (1 of 4 stars; one submission).

Submission:

CeGaT Center for Human Genetics Tuebingen
Classification: Uncertain significance. Last evaluated: 2024-04-01. Review status: criteria provided, single submitter. Criteria: CeGaT Center For Human Genetics Tuebingen Variant Classification Criteria Version 2. Collection method: clinical testing. Allele origin: germline. Affected: yes. Observed: 1 variant allele.
Comment: AIRE: PM2, PM3:Supporting